The following is an entry in ClinVar:

ClinVar aggregate classification (germline): Uncertain significance (1 of 4 stars; one submission).

Conditions:
Cystic fibrosis (CF). Also called: MUCOVISCIDOSIS. Identifiers: Orphanet 586, MedGen C0010674, MONDO:0009061, OMIM 219700. Disease mechanism: loss of function.

Submission:

Johns Hopkins Genomics, Johns Hopkins University
Classification: Uncertain significance for Cystic fibrosis. Last evaluated: 2024-04-10. Review status: criteria provided, single submitter. Criteria: ACMG Guidelines, 2015. Collection method: clinical testing. Allele origin: germline.
Comment: PM2

NM_000492.4(CFTR):c.1584+6321del

Genes: CFTR (CF transmembrane conductance regulator; plus strand), LOC113219472 (greater CFTR locus negative regulatory element CR20; plus strand). Cytogenetic location: 7q31.2.
Variant type: Deletion.
Coding change: c.1584+6321del on transcript NM_000492.4 (MANE Select); 6321 bases into the intron after coding-DNA position 1584, one base deleted (G; older notation c.1584+6321delG).
Molecular consequence: intron variant.
Genome position (GRCh38, 1-based): chr7:117,565,976, G deleted; the last of 2 consecutive G bases (chr7:117,565,975-117,565,976); deleting either gives the same sequence. VCF-style (leftmost placement, unchanged base first): chr7-117565974-AG-A. GRCh37 (hg19) VCF-style: chr7-117206028-AG-A.
Identifiers: ClinVar variation 4280014 (VCV004280014.1).